The following is an entry in ClinVar:

NM_000130.5(F5):c.878C>G (p.Ser293Cys)

Gene: F5 (coagulation factor V; minus strand). Cytogenetic location: 1q24.2.
Variant type: single nucleotide variant.
Coding change: c.878C>G on transcript NM_000130.5 (MANE Select); coding-DNA position 878, C replaced by G.
Protein change: p.Ser293Cys; replaces serine 293 with cysteine.
Molecular consequence: missense variant.
Genome position (GRCh38, 1-based): chr1:169,556,720, G>C on the plus strand (C>G on the coding strand, the complement: F5 is on the minus strand). VCF-style: chr1-169556720-G-C. GRCh37 (hg19) VCF-style: chr1-169525958-G-C.
Other names: short protein forms S293C.
Identifiers: ClinVar variation 4737302 (VCV004737302.1).

ClinVar aggregate classification (germline): Uncertain significance (1 of 4 stars; one submission).

Conditions:
Congenital factor V deficiency. Also called: LABILE FACTOR DEFICIENCY; OWREN PARAHEMOPHILIA; PARAHEMOPHILIA; Hereditary factor V deficiency disease. Identifiers: Orphanet 326, MedGen C0015499, MONDO:0009210, OMIM 227400.

gnomAD v4.1: 93 of 1,613,966 alleles (0.0058%); highest among the groups gnomAD compares: Non-Finnish European, 0.0064%; no homozygotes.

Submission:

Labcorp Genetics (formerly Invitae), Labcorp
Classification: Uncertain significance for Congenital factor V deficiency. Last evaluated: 2026-01-09. Review status: criteria provided, single submitter. Criteria: Invitae Variant Classification Sherloc (09022015). Collection method: clinical testing. Allele origin: germline.
Comment: This sequence change replaces serine, which is neutral and polar, with cysteine, which is neutral and slightly polar, at codon 293 of the F5 protein (p.Ser293Cys). This variant is present in population databases (rs200984834, gnomAD 0.01%). This variant has not been reported in the literature in individuals affected with F5-related conditions. Invitae Evidence Modeling of protein sequence and biophysical properties (such as structural, functional, and spatial information, amino acid conservation, physicochemical variation, residue mobility, and thermodynamic stability) indicates that this missense variant is expected to disrupt F5 protein function with a positive predictive value of 80%. In summary, the available evidence is currently insufficient to determine the role of this variant in disease. Therefore, it has been classified as a Variant of Uncertain Significance.